The following is an entry in ClinVar:

NM_006939.4(SOS2):c.1208G>C (p.Cys403Ser)

Gene: SOS2 (SOS Ras/Rho guanine nucleotide exchange factor 2; minus strand). Cytogenetic location: 14q21.3.
Variant type: single nucleotide variant.
Coding change: c.1208G>C on transcript NM_006939.4 (MANE Select); coding-DNA position 1208, G replaced by C.
Protein change: p.Cys403Ser; replaces cysteine 403 with serine.
Molecular consequence: missense variant.
Genome position (GRCh38, 1-based): chr14:50,160,075, C>G on the plus strand (G>C on the coding strand, the complement: SOS2 is on the minus strand). VCF-style: chr14-50160075-C-G. GRCh37 (hg19) VCF-style: chr14-50626793-C-G.
Other names: c.1208G>C (NM_006939.2); short protein forms C403S.
Identifiers: ClinVar variation 1397442 (VCV001397442.13), dbSNP rs201821194, ClinGen allele CA260736369.

ClinVar aggregate classification (germline): Uncertain significance. Review status: criteria provided, multiple submitters, no conflicts (2 of 4 stars). 4 submissions from 4 submitters: Uncertain significance (4). Last evaluated 2025-08-24.

Conditions:
Cardiovascular phenotype. Identifiers: MedGen CN230736.
Noonan syndrome 9 (NS9). Identifiers: Orphanet 648, MedGen C4225282, MONDO:0014691, OMIM 616559.

Allele frequency attached by ClinVar (database versions not stated): TOPMed 0.00001; gnomAD 0.00002; gnomAD exomes 0.00003.
gnomAD v4.1: 45 of 1,608,450 alleles (0.0028%); highest among the groups gnomAD compares: Non-Finnish European, 0.0036%; no homozygotes.

Submissions (4):

Ambry Genetics
Classification: Uncertain significance for Cardiovascular phenotype. Last evaluated: 2025-08-24. Review status: criteria provided, single submitter. Criteria: Ambry Variant Classification Scheme 2023. Collection method: clinical testing. Allele origin: germline.
Comment: The p.C403S variant (also known as c.1208G>C), located in coding exon 10 of the SOS2 gene, results from a G to C substitution at nucleotide position 1208. The cysteine at codon 403 is replaced by serine, an amino acid with dissimilar properties. This amino acid position is conserved. In addition, this alteration is predicted to be tolerated by in silico analysis. Since supporting evidence is limited at this time, the clinical significance of this alteration remains unclear.

Labcorp Genetics (formerly Invitae), Labcorp
Classification: Uncertain significance for Noonan syndrome 9. Last evaluated: 2025-05-27. Review status: criteria provided, single submitter. Criteria: Invitae Variant Classification Sherloc (09022015). Collection method: clinical testing. Allele origin: germline.
Comment: This sequence change replaces cysteine, which is neutral and slightly polar, with serine, which is neutral and polar, at codon 403 of the SOS2 protein (p.Cys403Ser). This variant is present in population databases (rs201821194, gnomAD 0.007%). This variant has not been reported in the literature in individuals affected with SOS2-related conditions. ClinVar contains an entry for this variant (Variation ID: 1397442). Invitae Evidence Modeling of protein sequence and biophysical properties (such as structural, functional, and spatial information, amino acid conservation, physicochemical variation, residue mobility, and thermodynamic stability) indicates that this missense variant is not expected to disrupt SOS2 protein function with a negative predictive value of 95%. In summary, the available evidence is currently insufficient to determine the role of this variant in disease. Therefore, it has been classified as a Variant of Uncertain Significance.

Molecular Genetics, Royal Melbourne Hospital
Classification: Uncertain significance for Noonan syndrome 9. Last evaluated: 2020-11-20. Review status: criteria provided, single submitter. Criteria: ACMG Guidelines, 2015. Collection method: clinical testing. Allele origin: germline.
Comment: This sequence change is predicted to replace cysteine with serine at codon 403 of the SOS2 protein (p.Cys403Ser). The cysteine residue is not conserved with cysteine present in at least one mammal (100 vertebrates, UCSC), and is not located in a known functional domain. There is a large physicochemical difference between cysteine and serine. The variant is present in a large population cohort at a frequency of 0.002% (rs201821194, 3/143,162 alleles, 0 homozygotes in gnomAD v3), and has not been reported in relevant medical literature. Multiple lines of computational evidence predict a benign effect for the missense substitution (BP4; 5/7 algorithms). Based on the classification scheme RMH ACMG Guidelines v1.2.1, this variant is classified as a VARIANT OF UNCERTAIN SIGNIFICANCE. Following criteria are met: BP4.

Genome-Nilou Lab
Classification: Uncertain significance for Noonan syndrome 9. Review status: criteria provided, single submitter. Criteria: ACMG Guidelines, 2015. Collection method: clinical testing. Allele origin: germline.